The following is an entry in ClinVar:

ClinVar aggregate classification (germline): Likely benign (1 of 4 stars; one submission).

gnomAD v4.1: 17 of 1,614,052 alleles (0.0011%); highest among the groups gnomAD compares: Non-Finnish European, 0.0014%; no homozygotes.

Submission:

CeGaT Center for Human Genetics Tuebingen
Classification: Likely benign. Last evaluated: 2022-11-01. Review status: criteria provided, single submitter. Criteria: CeGaT Center For Human Genetics Tuebingen Variant Classification Criteria Version 2. Collection method: clinical testing. Allele origin: germline. Affected: yes. Observed: 1 variant allele.
Comment: SRCAP: PM2:Supporting, BP4, BP7

NM_006662.3(SRCAP):c.1677A>G (p.Glu559=)

Gene: SRCAP (Snf2 related CREBBP activator protein; plus strand). Cytogenetic location: 16p11.2.
Variant type: single nucleotide variant.
Coding change: c.1677A>G on transcript NM_006662.3 (MANE Select); coding-DNA position 1677, A replaced by G.
Protein change: p.Glu559=; no amino-acid change (glutamic acid 559 retained).
Molecular consequence: synonymous variant.
Genome position (GRCh38, 1-based): chr16:30,712,019, A>G. VCF-style: chr16-30712019-A-G. GRCh37 (hg19) VCF-style: chr16-30723340-A-G.
Identifiers: ClinVar variation 2646390 (VCV002646390.24), dbSNP rs776951108, ClinGen allele CA494908099.